The following is an entry in ClinVar:

ClinVar aggregate classification (germline): Uncertain significance (0 of 4 stars; one submission).

Conditions:
Nephronophthisis. Also called: Juvenile Nephronophthisis. Identifiers: Orphanet 655, MedGen C0687120, MONDO:0019005, HP:0000090.

Submission:

Sydney Genome Diagnostics, Children's Hospital Westmead
Classification: Uncertain significance for Nephronophthisis. Last evaluated: 2018-07-06. Review status: no assertion criteria provided. Collection method: clinical testing. Allele origin: unknown. Affected: yes. Observed: 1 variant allele, 1 heterozygote.
Comment: The variant has not been reported in any population databases (i.e. gnomAD, ExAC, ESP or dbSNP). To our knowledge, this variant has not been previously reported in the literature or any disease specific databases. In silico analysis of pathogenicity (through Alamut Visual v2.8.1) using PolyPhen2, SIFT and MutationTaster suggest that this variant does not affect protein function and is likely to be benign. However, this analysis alone cannot be used to exclude pathogenicity. This variant is considered to be a variant of uncertain clinical significance (VOUS) according to the ACMG guidelines.

NM_001384732.1(CPLANE1):c.6430C>G (p.Pro2144Ala)

Gene: CPLANE1 (ciliogenesis and planar polarity effector complex subunit 1; minus strand). Cytogenetic location: 5p13.2.
Variant type: single nucleotide variant.
Coding change: c.6430C>G on transcript NM_001384732.1 (MANE Select); coding-DNA position 6430, C replaced by G.
Protein change: p.Pro2144Ala; replaces proline 2144 with alanine.
Molecular consequence: missense variant.
Genome position (GRCh38, 1-based): chr5:37,170,073, G>C on the plus strand (C>G on the coding strand, the complement: CPLANE1 is on the minus strand). VCF-style: chr5-37170073-G-C. GRCh37 (hg19) VCF-style: chr5-37170175-G-C.
Other names: c.6430C>G, p.Pro2144Ala (NM_023073.4); short protein forms P2144A.
Identifiers: ClinVar variation 988189 (VCV000988189.1), dbSNP rs1779345100, ClinGen allele CA359481277.
Genomic context (GRCh38, chr5:37,170,073, plus strand): 5'-CCATTAATGGTATTTTTACATACATTACCTGTACGTTTCCAGTACTATTTTGACCAGATG[G>C]GATAGTTCCTTCATGGCAGTGTGGGCTGTTCTTGCGAGGCTCTCTGGCGTTCTCTCCCAT-3'
Protein context (NP_001371661.1, residues 2134-2154): NSPHCHEGTI[Pro2144Ala]SGQNSTGNVQ